The following is an entry in ClinVar:

ClinVar aggregate classification (germline): Uncertain significance (1 of 4 stars; one submission).

gnomAD v4.1: 3 of 1,613,690 alleles (0.00019%); highest among the groups gnomAD compares: Non-Finnish European, 0.00025%; no homozygotes.

Submission:

GeneDx
Classification: Uncertain significance. Last evaluated: 2024-07-10. Review status: criteria provided, single submitter. Criteria: GeneDx Variant Classification Process June 2021. Collection method: clinical testing. Allele origin: germline. Affected: yes.
Comment: Not observed at significant frequency in large population cohorts (gnomAD); In silico analysis supports that this missense variant has a deleterious effect on protein structure/function; Has not been previously published as pathogenic or benign to our knowledge

NM_138694.4(PKHD1):c.10307G>T (p.Gly3436Val)

Gene: PKHD1 (PKHD1 ciliary IPT domain containing fibrocystin/polyductin; minus strand). Cytogenetic location: 6p12.3.
Variant type: single nucleotide variant.
Coding change: c.10307G>T on transcript NM_138694.4 (MANE Select); coding-DNA position 10307, G replaced by T.
Protein change: p.Gly3436Val; replaces glycine 3436 with valine.
Molecular consequence: missense variant.
Genome position (GRCh38, 1-based): chr6:51,659,819, C>A on the plus strand (G>T on the coding strand, the complement: PKHD1 is on the minus strand). VCF-style: chr6-51659819-C-A. GRCh37 (hg19) VCF-style: chr6-51524617-C-A.
Other names: short protein forms G3436V.
Identifiers: ClinVar variation 3572596 (VCV003572596.1).